The following is an entry in ClinVar:

NM_003982.4(SLC7A7):c.683T>C (p.Ile228Thr)

Gene: SLC7A7 (solute carrier family 7 member 7; minus strand). Cytogenetic location: 14q11.2.
Variant type: single nucleotide variant.
Coding change: c.683T>C on transcript NM_003982.4 (MANE Select); coding-DNA position 683, T replaced by C.
Protein change: p.Ile228Thr; replaces isoleucine 228 with threonine.
Molecular consequence: missense variant.
Genome position (GRCh38, 1-based): chr14:22,778,880, A>G on the plus strand (T>C on the coding strand, the complement: SLC7A7 is on the minus strand). VCF-style: chr14-22778880-A-G. GRCh37 (hg19) VCF-style: chr14-23248089-A-G.
Other names: c.683T>C, p.Ile228Thr (NM_001126105.3, NM_001126106.4); short protein forms I228T.
Identifiers: ClinVar variation 2161424 (VCV002161424.4), dbSNP rs368416948, ClinGen allele CA7104626.
Genomic context (GRCh38, chr14:22,778,880, plus strand): 5'-ACATAGTTGAGGGTGTCCCAGCCTGAGTAGGAGAACAGAGCTGAGTACAGTGCCAGGGCA[A>G]TGTCACCCACTGCAAATGATGAACCCTCAAAGGAATTCTCAAAATGAGTAGAGGCTCCTG-3'
Protein context (NP_003973.3, residues 218-238): FEGSSFAVGD[Ile228Thr]ALALYSALFS

ClinVar aggregate classification (germline): Uncertain significance. Review status: criteria provided, multiple submitters, no conflicts (2 of 4 stars). 3 submissions from 3 submitters: Uncertain significance (3). Last evaluated 2025-06-12.

Conditions:
Lysinuric protein intolerance (LPI). Identifiers: Orphanet 470, MedGen C0268647, MONDO:0009109, OMIM 222700.

Allele frequency attached by ClinVar (database versions not stated): gnomAD exomes 0.00001; TOPMed 0.00003; gnomAD 0.00004; ExAC 0.00005; ESP Exome Variant Server 0.00015; 1000 Genomes Project 30x 0.00016; 1000 Genomes Project 0.00020.
gnomAD v4.1: 18 of 1,614,128 alleles (0.0011%); highest among the groups gnomAD compares: African/African-American, 0.008%; no homozygotes.

Submissions (3):

Labcorp Genetics (formerly Invitae), Labcorp
Classification: Uncertain significance for Lysinuric protein intolerance. Last evaluated: 2025-06-12. Review status: criteria provided, single submitter. Criteria: Invitae Variant Classification Sherloc (09022015). Collection method: clinical testing. Allele origin: germline.
Comment: This sequence change replaces isoleucine, which is neutral and non-polar, with threonine, which is neutral and polar, at codon 228 of the SLC7A7 protein (p.Ile228Thr). This variant is present in population databases (rs368416948, gnomAD 0.02%). This variant has not been reported in the literature in individuals affected with SLC7A7-related conditions. ClinVar contains an entry for this variant (Variation ID: 2161424). An algorithm developed to predict the effect of missense changes on protein structure and function (PolyPhen-2) suggests that this variant is likely to be disruptive. In summary, the available evidence is currently insufficient to determine the role of this variant in disease. Therefore, it has been classified as a Variant of Uncertain Significance.

Fulgent Genetics
Classification: Uncertain significance for Lysinuric protein intolerance. Last evaluated: 2024-04-17. Review status: criteria provided, single submitter. Criteria: ACMG Guidelines, 2015. Collection method: clinical testing. Allele origin: germline.

GeneDx
Classification: Uncertain significance. Last evaluated: 2024-03-10. Review status: criteria provided, single submitter. Criteria: GeneDx Variant Classification Process June 2021. Collection method: clinical testing. Allele origin: germline. Affected: yes.
Comment: In silico analysis supports that this missense variant has a deleterious effect on protein structure/function; Has not been previously published as pathogenic or benign to our knowledge